The following is an entry in ClinVar:

NM_032806.6(POMGNT2):c.1687A>G (p.Ile563Val)

Gene: POMGNT2 (protein O-linked mannose N-acetylglucosaminyltransferase 2 (beta 1,4-); minus strand). Cytogenetic location: 3p22.1.
Variant type: single nucleotide variant.
Coding change: c.1687A>G on transcript NM_032806.6 (MANE Select); coding-DNA position 1687, A replaced by G.
Protein change: p.Ile563Val; replaces isoleucine 563 with valine.
Molecular consequence: missense variant.
Genome position (GRCh38, 1-based): chr3:43,079,745, T>C on the plus strand (A>G on the coding strand, the complement: POMGNT2 is on the minus strand). VCF-style: chr3-43079745-T-C. GRCh37 (hg19) VCF-style: chr3-43121237-T-C.
Other names: short protein forms I563V.
Identifiers: ClinVar variation 655459 (VCV000655459.3), dbSNP rs1316924045, ClinGen allele CA352299417.

ClinVar aggregate classification (germline): Uncertain significance (1 of 4 stars; one submission).

Conditions:
Muscular dystrophy-dystroglycanopathy (congenital with brain and eye anomalies), type a, 8 (MDDGA8). Also called: WALKER-WARBURG SYNDROME OR MUSCLE-EYE-BRAIN DISEASE, GTDC2-RELATED. Identifiers: Orphanet 899, MedGen C3553813, MONDO:0013904, OMIM 614830.

Allele frequency attached by ClinVar (database versions not stated): gnomAD exomes below 0.00001.

Submission:

Labcorp Genetics (formerly Invitae), Labcorp
Classification: Uncertain significance for Muscular dystrophy-dystroglycanopathy (congenital with brain and eye anomalies), type a, 8. Last evaluated: 2021-08-27. Review status: criteria provided, single submitter. Criteria: Invitae Variant Classification Sherloc (09022015). Collection method: clinical testing. Allele origin: germline.
Comment: This sequence change replaces isoleucine with valine at codon 563 of the POMGNT2 protein (p.Ile563Val). The isoleucine residue is highly conserved and there is a small physicochemical difference between isoleucine and valine. This variant is not present in population databases (ExAC no frequency). This variant has not been reported in the literature in individuals affected with POMGNT2-related conditions. Algorithms developed to predict the effect of missense changes on protein structure and function (SIFT, PolyPhen-2, Align-GVGD) all suggest that this variant is likely to be disruptive. In summary, the available evidence is currently insufficient to determine the role of this variant in disease. Therefore, it has been classified as a Variant of Uncertain Significance.